The following is an entry in ClinVar:

NM_002691.4(POLD1):c.1384G>A (p.Val462Met)

Gene: POLD1 (DNA polymerase delta 1, catalytic subunit; plus strand). Cytogenetic location: 19q13.33.
Variant type: single nucleotide variant.
Coding change: c.1384G>A on transcript NM_002691.4 (MANE Select); coding-DNA position 1384, G replaced by A.
Protein change: p.Val462Met; replaces valine 462 with methionine.
Molecular consequence: missense variant. On other transcripts: non-coding transcript variant (1).
Genome position (GRCh38, 1-based): chr19:50,406,407, G>A. VCF-style: chr19-50406407-G-A. GRCh37 (hg19) VCF-style: chr19-50909664-G-A.
Other names: c.1384G>A, p.Val462Met (NM_001256849.1, NM_001308632.1); short protein forms V462M.
Identifiers: ClinVar variation 486084 (VCV000486084.16), dbSNP rs759504885, ClinGen allele CA406980011.

ClinVar aggregate classification (germline): Uncertain significance. Review status: criteria provided, multiple submitters, no conflicts (2 of 4 stars). 2 submissions from 2 submitters: Uncertain significance (2). Last evaluated 2024-06-30.

Conditions:
Hereditary cancer-predisposing syndrome. Also called: Tumor predisposition; Hereditary Cancer Syndrome; Hereditary neoplastic syndrome; Neoplastic Syndromes, Hereditary. Identifiers: Orphanet 140162, MedGen C0027672, MeSH D009386, MONDO:0015356.
POLD1-related polyposis and colorectal cancer syndrome (CRCS10). Also called: Colorectal cancer 10; COLORECTAL CANCER, SUSCEPTIBILITY TO, ON CHROMOSOME 19q; Colorectal cancer, susceptibility to, 10. Identifiers: Orphanet 220460, MedGen C2675481, MONDO:0012953, OMIM 612591.

gnomAD v4.1: 3 of 1,604,510 alleles (0.00019%); highest among the groups gnomAD compares: Non-Finnish European, 0.00017%; no homozygotes.

Submissions (2):

Ambry Genetics
Classification: Uncertain significance for Hereditary cancer-predisposing syndrome. Last evaluated: 2024-06-30. Review status: criteria provided, single submitter. Criteria: Ambry Variant Classification Scheme 2023. Collection method: clinical testing. Allele origin: germline.
Comment: The p.V462M variant (also known as c.1384G>A), located in coding exon 11 of the POLD1 gene, results from a G to A substitution at nucleotide position 1384. This variant impacts the first base pair of coding exon 11. The valine at codon 462 is replaced by methionine, an amino acid with highly similar properties. This amino acid position is well conserved in available vertebrate species. In addition, this alteration is predicted to be tolerated by in silico analysis. Since supporting evidence is limited at this time, the clinical significance of this alteration remains unclear.

Labcorp Genetics (formerly Invitae), Labcorp
Classification: Uncertain significance for POLD1-related polyposis and colorectal cancer syndrome. Last evaluated: 2024-03-09. Review status: criteria provided, single submitter. Criteria: Invitae Variant Classification Sherloc (09022015). Collection method: clinical testing. Allele origin: germline.
Comment: This sequence change replaces valine, which is neutral and non-polar, with methionine, which is neutral and non-polar, at codon 462 of the POLD1 protein (p.Val462Met). This variant is not present in population databases (gnomAD no frequency). This variant has not been reported in the literature in individuals affected with POLD1-related conditions. ClinVar contains an entry for this variant (Variation ID: 486084). An algorithm developed to predict the effect of missense changes on protein structure and function (PolyPhen-2) suggests that this variant is likely to be disruptive. In summary, the available evidence is currently insufficient to determine the role of this variant in disease. Therefore, it has been classified as a Variant of Uncertain Significance.